The following is an entry in ClinVar:

ClinVar aggregate classification (germline): Uncertain significance. Review status: criteria provided, multiple submitters, no conflicts (2 of 4 stars). 3 submissions from 3 submitters: Uncertain significance (3). Last evaluated 2025-02-10.

Conditions:
Inborn genetic diseases. Identifiers: MedGen C0950123, MeSH D030342.

Allele frequency attached by ClinVar (database versions not stated): TOPMed 0.00001; ExAC 0.00002.

Submissions (3):

Labcorp Genetics (formerly Invitae), Labcorp
Classification: Uncertain significance. Last evaluated: 2025-02-10. Review status: criteria provided, single submitter. Criteria: Invitae Variant Classification Sherloc (09022015). Collection method: clinical testing. Allele origin: germline.
Comment: This sequence change replaces arginine, which is basic and polar, with glutamine, which is neutral and polar, at codon 27 of the RAD51 protein (p.Arg27Gln). This variant is present in population databases (rs778132081, gnomAD 0.006%). This variant has not been reported in the literature in individuals affected with RAD51-related conditions. ClinVar contains an entry for this variant (Variation ID: 1761997). An algorithm developed to predict the effect of missense changes on protein structure and function (PolyPhen-2) suggests that this variant is likely to be tolerated. In summary, the available evidence is currently insufficient to determine the role of this variant in disease. Therefore, it has been classified as a Variant of Uncertain Significance.

CeGaT Center for Human Genetics Tuebingen
Classification: Uncertain significance. Last evaluated: 2023-09-01. Review status: criteria provided, single submitter. Criteria: CeGaT Center For Human Genetics Tuebingen Variant Classification Criteria Version 2. Collection method: clinical testing. Allele origin: germline. Affected: yes. Observed: 1 variant allele.

Ambry Genetics
Classification: Uncertain significance for Inborn genetic diseases. Last evaluated: 2023-08-25. Review status: criteria provided, single submitter. Criteria: Ambry Variant Classification Scheme 2023. Collection method: clinical testing. Allele origin: germline.
Comment: The p.R27Q variant (also known as c.80G>A), located in coding exon 1 of the RAD51 gene, results from a G to A substitution at nucleotide position 80. The arginine at codon 27 is replaced by glutamine, an amino acid with highly similar properties. This amino acid position is conserved. In addition, the in silico prediction for this alteration is inconclusive. Since supporting evidence is limited at this time, the clinical significance of this alteration remains unclear.

NM_002875.5(RAD51):c.80G>A (p.Arg27Gln)

Gene: RAD51 (RAD51 recombinase; plus strand). Cytogenetic location: 15q15.1.
Variant type: single nucleotide variant.
Coding change: c.80G>A on transcript NM_002875.5 (MANE Select); coding-DNA position 80, G replaced by A.
Protein change: p.Arg27Gln; replaces arginine 27 with glutamine.
Molecular consequence: missense variant.
Genome position (GRCh38, 1-based): chr15:40,698,838, G>A. VCF-style: chr15-40698838-G-A. GRCh37 (hg19) VCF-style: chr15-40991036-G-A.
Other names: c.80G>A, p.Arg27Gln (NM_001164269.2, NM_001164270.2, NM_133487.4); short protein forms R27Q.
Identifiers: ClinVar variation 1761997 (VCV001761997.28), dbSNP rs778132081, ClinGen allele CA7483904.